The following is an entry in ClinVar:

ClinVar aggregate classification (germline): Benign. Review status: criteria provided, multiple submitters, no conflicts (2 of 4 stars). 3 submissions from 3 submitters: Benign (3). Last evaluated 2025-04-01.

Conditions:
Spastic paraplegia. Identifiers: MedGen C0037772, HP:0001258.
Hereditary spastic paraplegia 33. Also called: SPASTIC PARAPLEGIA 33, AUTOSOMAL DOMINANT. Identifiers: MedGen C1853251, MONDO:0012448, OMIM 610244.

Allele frequency attached by ClinVar (database versions not stated): ExAC 0.00036; 1000 Genomes Project 0.00060; 1000 Genomes Project 30x 0.00062; ESP Exome Variant Server 0.00108; gnomAD 0.00119 and 0.00124; TOPMed 0.00139.

Submissions (3):

Labcorp Genetics (formerly Invitae), Labcorp
Classification: Benign for Spastic paraplegia. Last evaluated: 2025-04-01. Review status: criteria provided, single submitter. Criteria: Invitae Variant Classification Sherloc (09022015). Collection method: clinical testing. Allele origin: germline.

Illumina Laboratory Services, Illumina
Classification: Benign for Hereditary spastic paraplegia 33. Last evaluated: 2018-01-12. Review status: criteria provided, single submitter. Criteria: ICSL Variant Classification Criteria 13 December 2019. Collection method: clinical testing. Allele origin: germline.
Comment: This variant was observed in the ICSL laboratory as part of a predisposition screen in an ostensibly healthy population. It had not been previously curated by ICSL or reported in the Human Gene Mutation Database (HGMD: prior to June 1st, 2018), and was therefore a candidate for classification through an automated scoring system. Utilizing variant allele frequency, disease prevalence and penetrance estimates, and inheritance mode, an automated score was calculated to assess if this variant is too frequent to cause the disease. Based on the score and internal cut-off values, a variant classified as benign is not then subjected to further curation. The score for this variant resulted in a classification of benign for this disease.

Breakthrough Genomics
Classification: Benign. Review status: criteria provided, single submitter. Criteria: ACMG Guidelines, 2015. Collection method: not provided. Allele origin: germline. Inheritance: Autosomal dominant inheritance. Affected: yes.

NM_001385875.1(ZFYVE27):c.876+15C>T

Gene: ZFYVE27 (zinc finger FYVE-type containing 27; plus strand). Cytogenetic location: 10q24.2.
Variant type: single nucleotide variant.
Coding change: c.876+15C>T on transcript NM_001385875.1 (MANE Select); 15 bases into the intron after coding-DNA position 876, C replaced by T.
Molecular consequence: intron variant.
Genome position (GRCh38, 1-based): chr10:97,751,477, C>T. VCF-style: chr10-97751477-C-T. GRCh37 (hg19) VCF-style: chr10-99511234-C-T.
Other names: c.930+15C>T (NM_001385876.1); c.891+15C>T (NM_001385871.1, NM_001385879.1, NM_001002261.4 and 2 more transcripts); c.876+15C>T (NM_144588.7, NM_001002262.4, NM_001385877.1 and 3 more transcripts); c.654+15C>T (NM_001385903.1, NM_001385904.1); c.639+15C>T (NM_001385899.1, NM_001385900.1, NM_001385905.1); c.633+15C>T (NM_001385902.1, NM_001385901.1, NM_001385911.1); c.618+15C>T (NM_001385908.1, NM_001385906.1, NM_001174120.2); c.687+15C>T (NM_001385890.1, NM_001385895.1, NM_001385893.1 and 2 more transcripts); and 8 more.
Identifiers: ClinVar variation 301837 (VCV000301837.10), dbSNP rs202196759, ClinGen allele CA5635330.
Genomic context (GRCh38, chr10:97,751,477, plus strand): 5'-GGCTGAGGAGGCTGAGCCAGATGAAGAGTTTAAAGATGCGATTGAGGTGGGTGGCCCTTC[C>T]CCAGCATCCTCTACTCAGCAGGCCAGAAATTGGGTGGTCCTGGAGCTGTTTTTTGTTTTT-3'